The following is an entry in ClinVar:

ClinVar aggregate classification (germline): Uncertain significance. Review status: criteria provided, multiple submitters, no conflicts (2 of 4 stars). 3 submissions from 3 submitters: Uncertain significance (2). 1 of the submissions does not count toward it. Last evaluated 2024-05-21.

Conditions:
Deficiency of acetyl-CoA acetyltransferase. Also called: Beta-ketothiolase deficiency; 3-KETOTHIOLASE DEFICIENCY; 3-OXOTHIOLASE DEFICIENCY; MITOCHONDRIAL ACETOACETYL-CoA THIOLASE DEFICIENCY. Identifiers: Orphanet 134, MedGen C1536500, MONDO:0008760, OMIM 203750. Disease mechanism: loss of function.

Allele frequency attached by ClinVar (database versions not stated): ExAC 0.00001; gnomAD 0.00001; gnomAD exomes 0.00002; TOPMed 0.00002.

Submissions (3):

Fulgent Genetics
Classification: Uncertain significance for Deficiency of acetyl-CoA acetyltransferase. Last evaluated: 2024-05-21. Review status: criteria provided, single submitter. Criteria: ACMG Guidelines, 2015. Collection method: clinical testing. Allele origin: germline.

GeneDx
Classification: Uncertain significance. Last evaluated: 2021-03-16. Review status: criteria provided, single submitter. Criteria: GeneDx Variant Classification Process June 2021. Collection method: clinical testing. Allele origin: germline. Affected: yes.
Comment: Not observed at a significant frequency in large population cohorts (Lek et al., 2016); Missense variants in this gene are often considered pathogenic (Stenson et al., 2014); In silico analysis supports that this missense variant does not alter protein structure/function; Has not been previously published as pathogenic or benign to our knowledge

Natera, Inc.
Classification: Uncertain significance for Alpha-methylacetoacetic aciduria. Last evaluated: 2020-11-06. Review status: no assertion criteria provided. Collection method: clinical testing. Allele origin: germline. Not counted in ClinVar's aggregate classification.

NM_000019.4(ACAT1):c.489G>T (p.Met163Ile)

Gene: ACAT1 (acetyl-CoA acetyltransferase 1; plus strand). Cytogenetic location: 11q22.3.
Variant type: single nucleotide variant.
Coding change: c.489G>T on transcript NM_000019.4 (MANE Select); coding-DNA position 489, G replaced by T.
Protein change: p.Met163Ile; replaces methionine 163 with isoleucine.
Molecular consequence: missense variant. On other transcripts: non-coding transcript variant (2).
Genome position (GRCh38, 1-based): chr11:108,138,951, G>T. VCF-style: chr11-108138951-G-T. GRCh37 (hg19) VCF-style: chr11-108009678-G-T.
Other names: c.489G>T, p.Met163Ile (NM_001386677.1); c.174G>T, p.Met58Ile (NM_001386678.1); c.192G>T, p.Met64Ile (NM_001386679.1); c.219G>T, p.Met73Ile (NM_001386681.1, NM_001386682.1, NM_001386685.1 and 6 more transcripts); short protein forms M163I, M58I, M64I, M73I.
Identifiers: ClinVar variation 1212870 (VCV001212870.5), dbSNP rs778705529, ClinGen allele CA6263146.